The following is an entry in ClinVar:

ClinVar aggregate classification (germline): Likely pathogenic (1 of 4 stars; one submission).

Conditions:
CUX1-related disorder. Also called: CUX1-related condition.

Submission:

PreventionGenetics, part of Exact Sciences
Classification: Likely pathogenic for CUX1-related condition. Last evaluated: 2023-07-05. Review status: criteria provided, single submitter. Criteria: ACMG Guidelines, 2015. Collection method: clinical testing. Allele origin: germline.
Comment: The CUX1 c.2941-1G>T variant is predicted to disrupt the AG splice acceptor site and interfere with normal splicing. To our knowledge, this variant has not been reported in the literature or in a large population database, indicating this variant is rare. Variants that disrupt the consensus splice acceptor site in CUX1 are expected to be pathogenic. This variant is interpreted as likely pathogenic.

NM_181552.4(CUX1):c.2908-1G>T

Gene: CUX1 (cut like homeobox 1; plus strand). Cytogenetic location: 7q22.1.
Variant type: single nucleotide variant.
Coding change: c.2908-1G>T on transcript NM_181552.4 (MANE Select); the canonical splice acceptor site of the intron before coding-DNA position 2908, G replaced by T.
Molecular consequence: splice acceptor variant. On other transcripts: intron variant (5).
Genome position (GRCh38, 1-based): chr7:102,204,390, G>T. VCF-style: chr7-102204390-G-T. GRCh37 (hg19) VCF-style: chr7-101847670-G-T.
Other names: c.1255+8787G>T (NM_001913.5); c.1249+8787G>T (NM_181500.4); c.1117+8787G>T (NM_001202545.3); c.1207+8787G>T (NM_001202544.3); c.1138+8787G>T (NM_001202546.3); c.2941-1G>T (NM_001202543.2).
Identifiers: ClinVar variation 2632467 (VCV002632467.1), dbSNP rs2485518349, ClinGen allele CA368686819.